The following is an entry in ClinVar:

NM_015047.3(EMC1):c.2648C>T (p.Pro883Leu)

Genes: EMC1 (ER membrane protein complex subunit 1; minus strand), EMC1-AS1 (EMC1 antisense RNA 1; plus strand). Cytogenetic location: 1p36.13.
Variant type: single nucleotide variant.
Coding change: c.2648C>T on transcript NM_015047.3 (MANE Select); coding-DNA position 2648, C replaced by T.
Protein change: p.Pro883Leu; replaces proline 883 with leucine.
Molecular consequence: missense variant.
Genome position (GRCh38, 1-based): chr1:19,220,788, G>A on the plus strand (C>T on the coding strand, the complement: EMC1 is on the minus strand). VCF-style: chr1-19220788-G-A. GRCh37 (hg19) VCF-style: chr1-19547282-G-A.
Other names: c.2645C>T, p.Pro882Leu (NM_001271427.2, NM_001271428.2); c.2582C>T, p.Pro861Leu (NM_001271429.2); c.2657C>T, p.Pro886Leu (NM_001375820.1); c.2654C>T, p.Pro885Leu (NM_001375821.1); short protein forms P883L, P885L, P882L, P886L, P861L.
Identifiers: ClinVar variation 4743267 (VCV004743267.1).

ClinVar aggregate classification (germline): Uncertain significance (1 of 4 stars; one submission).

Submission:

Labcorp Genetics (formerly Invitae), Labcorp
Classification: Uncertain significance. Last evaluated: 2025-05-01. Review status: criteria provided, single submitter. Criteria: Invitae Variant Classification Sherloc (09022015). Collection method: clinical testing. Allele origin: germline.
Comment: This sequence change replaces proline, which is neutral and non-polar, with leucine, which is neutral and non-polar, at codon 883 of the EMC1 protein (p.Pro883Leu). This variant is not present in population databases (gnomAD no frequency). This variant has not been reported in the literature in individuals affected with EMC1-related conditions. Invitae Evidence Modeling of protein sequence and biophysical properties (such as structural, functional, and spatial information, amino acid conservation, physicochemical variation, residue mobility, and thermodynamic stability) indicates that this missense variant is expected to disrupt EMC1 protein function with a positive predictive value of 80%. In summary, the available evidence is currently insufficient to determine the role of this variant in disease. Therefore, it has been classified as a Variant of Uncertain Significance.